The following is an entry in ClinVar:

ClinVar aggregate classification (germline): Pathogenic (1 of 4 stars; one submission).

Submission:

Labcorp Genetics (formerly Invitae), Labcorp
Classification: Pathogenic. Last evaluated: 2024-06-22. Review status: criteria provided, single submitter. Criteria: Invitae Variant Classification Sherloc (09022015). Collection method: clinical testing. Allele origin: germline.
Comment: This sequence change creates a premature translational stop signal (p.Ser35Leufs*21) in the FH gene. FH has two initiator codons, p.Met1 and p.Met44, which result in two different functional isoforms that localize to the mitochondria and cytosol, respectively (PMID: 21929734, 27037871). Loss-of-function variants in FH are known to be pathogenic (PMID: 11865300, 21398687). Variants affecting the mitochondrial isoform confer risk for fumarate hydratase deficiency, while variants that affect the cytosolic isoform confer risk for FH tumor predisposition syndrome. This variant is not present in population databases (gnomAD no frequency). This variant has not been reported in the literature in individuals affected with FH-related conditions. This variant disrupts the mitochondria-targeting sequence (MTS) of the FH protein, which is important for protein import into the mitochondria (PMID: 27037871). This suggests that disruption of this region is causative of fumarate hydratase deficiency. For these reasons, this variant has been classified as Pathogenic for autosomal recessive fumarate hydratase deficiency. However, this variant is not likely to confer risk for autosomal dominant FH tumor predisposition syndrome.

Literature cited by the submitters: PubMed 21929734; PubMed 27037871; PubMed 11865300; PubMed 21398687.

NM_000143.4(FH):c.102dup (p.Ser35fs)

Gene: FH (fumarate hydratase; minus strand). Cytogenetic location: 1q43.
Variant type: Duplication.
Coding change: c.102dup on transcript NM_000143.4 (MANE Select); coding-DNA position 102, one base duplicated (C; older notation c.102dupC).
Protein change: p.Ser35fs; shifts the reading frame from serine 35.
Molecular consequence: frameshift variant.
Genome position (GRCh38, 1-based): chr1:241,519,621, G duplicated on the plus strand (C on the coding strand, the reverse complement: FH is on the minus strand); the first of 3 consecutive G bases (chr1:241,519,621-241,519,623); duplicating any one gives the same sequence. VCF-style (leftmost placement, unchanged base first): chr1-241519620-A-AG. GRCh37 (hg19) VCF-style: chr1-241682920-A-AG.
Other names: short protein forms S35fs.
Identifiers: ClinVar variation 2744945 (VCV002744945.3), dbSNP rs2147926893, ClinGen allele CA2697547767.